The following is an entry in ClinVar:

NM_007294.4(BRCA1):c.5592A>G (p.Ter1864Trp)

Gene: BRCA1 (BRCA1 DNA repair associated; minus strand). Cytogenetic location: 17q21.31.
Variant type: single nucleotide variant.
Coding change: c.5592A>G on transcript NM_007294.4 (MANE Select); coding-DNA position 5592, A replaced by G.
Protein change: p.Ter1864Trp.
Molecular consequence: stop lost. On other transcripts: 3 prime UTR variant (1), non-coding transcript variant (1).
Genome position (GRCh38, 1-based): chr17:43,045,678, T>C on the plus strand (A>G on the coding strand, the complement: BRCA1 is on the minus strand). VCF-style: chr17-43045678-T-C. GRCh37 (hg19) VCF-style: chr17-41197695-T-C.
Other names: c.5379A>G, p.Ter1793Trp (NM_001407571.1, NM_001407894.1, NM_001407895.1 and 12 more transcripts); c.5658A>G, p.Ter1886Trp (NM_001407581.1, NM_001407582.1); c.5655A>G, p.Ter1885Trp (NM_001407583.1, NM_001407585.1, NM_001407587.1 and 1 more transcripts); c.5652A>G, p.Ter1884Trp (NM_001407590.1, NM_001407591.1); c.5592A>G, p.Ter1864Trp (NM_001407593.1, NM_001407594.1, NM_001407596.1 and 5 more transcripts); c.5589A>G, p.Ter1863Trp (NM_001407610.1, NM_001407611.1, NM_001407612.1 and 14 more transcripts); c.5586A>G, p.Ter1862Trp (NM_001407627.1, NM_001407628.1, NM_001407629.1 and 13 more transcripts); c.5583A>G, p.Ter1861Trp (NM_001407644.1, NM_001407645.1); and 74 more.
Identifiers: ClinVar variation 1506762 (VCV001506762.9), dbSNP rs2152476968, ClinGen allele CA10590139.

ClinVar aggregate classification (germline): Uncertain significance (1 of 4 stars; one submission).

Conditions:
Hereditary breast ovarian cancer syndrome. Also called: Hereditary breast and ovarian cancer; Breast and ovarian cancer; BRCA1- and BRCA2-Associated Hereditary Breast and Ovarian Cancer; Hereditary breast and/or ovarian cancer syndrome; Hereditary breast and ovarian cancer syndrome; Hereditary breast and ovarian cancer syndrome (HBOC). Identifiers: Orphanet 145, MedGen C0677776, MeSH D061325, MONDO:0003582. Disease mechanism: loss of function.

Submission:

Labcorp Genetics (formerly Invitae), Labcorp
Classification: Uncertain significance for Hereditary breast ovarian cancer syndrome. Last evaluated: 2023-01-10. Review status: criteria provided, single submitter. Criteria: Invitae Variant Classification Sherloc (09022015). Collection method: clinical testing. Allele origin: germline.
Comment: This variant is not present in population databases (gnomAD no frequency). In summary, the available evidence is currently insufficient to determine the role of this variant in disease. Therefore, it has been classified as a Variant of Uncertain Significance. ClinVar contains an entry for this variant (Variation ID: 1506762). This variant has not been reported in the literature in individuals affected with BRCA1-related conditions. This sequence change disrupts the translational stop signal of the BRCA1 mRNA. It is expected to extend the length of the BRCA1 protein by 39 additional amino acid residues.